The following is an entry in ClinVar:

NM_000587.4(C7):c.1483C>T (p.Gln495Ter)

Gene: C7 (complement C7; plus strand). Cytogenetic location: 5p13.1.
Variant type: single nucleotide variant.
Coding change: c.1483C>T on transcript NM_000587.4 (MANE Select); coding-DNA position 1483, C replaced by T.
Protein change: p.Gln495Ter; replaces glutamine 495 with a stop codon.
Molecular consequence: nonsense.
Genome position (GRCh38, 1-based): chr5:40,958,255, C>T. VCF-style: chr5-40958255-C-T. GRCh37 (hg19) VCF-style: chr5-40958357-C-T.
Other names: short protein forms Q495*.
Identifiers: ClinVar variation 4799050 (VCV004799050.1).
Genomic context (GRCh38, chr5:40,958,255, plus strand): 5'-TGCCATTGCAAACCGTACACATTTGGTGCGGCGTGTGAGCAAGGAGTCCTCGTAGGGAAT[C>T]AAGCAGGTCAGTGGGGTGAATTTTCTCTAGCCACCCTGTACACATTGAAAGGGAATTACC-3'

ClinVar aggregate classification (germline): Pathogenic (1 of 4 stars; one submission).

Submission:

Labcorp Genetics (formerly Invitae), Labcorp
Classification: Pathogenic. Last evaluated: 2025-08-16. Review status: criteria provided, single submitter. Criteria: Invitae Variant Classification Sherloc (09022015). Collection method: clinical testing. Allele origin: germline.
Comment: This sequence change creates a premature translational stop signal (p.Gln495*) in the C7 gene. It is expected to result in an absent or disrupted protein product. Loss-of-function variants in C7 are known to be pathogenic (PMID: 9856499, 17407100). This variant is not present in population databases (gnomAD no frequency). This variant has not been reported in the literature in individuals affected with C7-related conditions. For these reasons, this variant has been classified as Pathogenic.

Literature cited by the submitters: PubMed 9856499; PubMed 17407100.